The following is an entry in ClinVar:

NM_002541.4(OGDH):c.1825C>G (p.Leu609Val)

Gene: OGDH (oxoglutarate dehydrogenase; plus strand). Cytogenetic location: 7p13.
Variant type: single nucleotide variant.
Coding change: c.1825C>G on transcript NM_002541.4 (MANE Select); coding-DNA position 1825, C replaced by G.
Protein change: p.Leu609Val; replaces leucine 609 with valine.
Molecular consequence: missense variant.
Genome position (GRCh38, 1-based): chr7:44,696,482, C>G. VCF-style: chr7-44696482-C-G. GRCh37 (hg19) VCF-style: chr7-44736081-C-G.
Other names: c.1813C>G, p.Leu605Val (NM_001165036.2); c.1858C>G, p.Leu620Val (NM_001363523.2); short protein forms L620V, L605V, L609V.
Identifiers: ClinVar variation 2981620 (VCV002981620.3), dbSNP rs2484953022, ClinGen allele CA367404517.

ClinVar aggregate classification (germline): Uncertain significance (1 of 4 stars; one submission).

Conditions:
Oxoglutaricaciduria. Identifiers: Orphanet 31, MedGen C2752074, MONDO:0008759, OMIM 203740.

Submission:

Labcorp Genetics (formerly Invitae), Labcorp
Classification: Uncertain significance for Oxoglutaricaciduria. Last evaluated: 2023-11-24. Review status: criteria provided, single submitter. Criteria: Invitae Variant Classification Sherloc (09022015). Collection method: clinical testing. Allele origin: germline.
Comment: This sequence change replaces leucine, which is neutral and non-polar, with valine, which is neutral and non-polar, at codon 609 of the OGDH protein (p.Leu609Val). This variant is not present in population databases (gnomAD no frequency). This variant has not been reported in the literature in individuals affected with OGDH-related conditions. Advanced modeling of protein sequence and biophysical properties (such as structural, functional, and spatial information, amino acid conservation, physicochemical variation, residue mobility, and thermodynamic stability) performed at Invitae indicates that this missense variant is not expected to disrupt OGDH protein function with a negative predictive value of 80%. In summary, the available evidence is currently insufficient to determine the role of this variant in disease. Therefore, it has been classified as a Variant of Uncertain Significance.